The following is an entry in ClinVar:

NM_001999.4(FBN2):c.4879+7A>G

Gene: FBN2 (fibrillin 2; minus strand). Cytogenetic location: 5q23.3.
Variant type: single nucleotide variant.
Coding change: c.4879+7A>G on transcript NM_001999.4 (MANE Select); 7 bases into the intron after coding-DNA position 4879, A replaced by G.
Molecular consequence: intron variant.
Genome position (GRCh38, 1-based): chr5:128,312,627, T>C on the plus strand (A>G on the coding strand, the complement: FBN2 is on the minus strand). VCF-style: chr5-128312627-T-C. GRCh37 (hg19) VCF-style: chr5-127648319-T-C.
Identifiers: ClinVar variation 511317 (VCV000511317.10), dbSNP rs555328744, ClinGen allele CA3394844.

ClinVar aggregate classification (germline): Likely benign. Review status: criteria provided, multiple submitters, no conflicts (2 of 4 stars). 2 submissions from 2 submitters: Likely benign (2). Last evaluated 2022-09-20.

Conditions:
Congenital contractural arachnodactyly (CCA). Also called: BEALS SYNDROME; Arthrogryposis, distal, type 9; Beals-Hecht syndrome. Identifiers: Orphanet 115, MedGen C0220668, MONDO:0007363, OMIM 121050.

Allele frequency attached by ClinVar (database versions not stated): gnomAD exomes below 0.00001 and 0.00001; gnomAD 0.00001; ExAC 0.00002; TOPMed 0.00003; 1000 Genomes Project 30x 0.00016; 1000 Genomes Project 0.00020.
gnomAD v4.1: 6 of 1,614,132 alleles (0.00037%); highest among the groups gnomAD compares: East Asian, 0.0067%; no homozygotes.

Submissions (2):

Labcorp Genetics (formerly Invitae), Labcorp
Classification: Likely benign for Congenital contractural arachnodactyly. Last evaluated: 2022-09-20. Review status: criteria provided, single submitter. Criteria: Invitae Variant Classification Sherloc (09022015). Collection method: clinical testing. Allele origin: germline.

GeneDx
Classification: Likely benign. Last evaluated: 2017-08-08. Review status: criteria provided, single submitter. Criteria: GeneDx Variant Classification (06012015). Collection method: clinical testing. Allele origin: germline. Affected: yes.
Comment: This variant is considered likely benign or benign based on one or more of the following criteria: it is a conservative change, it occurs at a poorly conserved position in the protein, it is predicted to be benign by multiple in silico algorithms, and/or has population frequency not consistent with disease.